The following is an entry in ClinVar:

NM_000271.5(NPC1):c.2206T>C (p.Phe736Leu)

Gene: NPC1 (NPC intracellular cholesterol transporter 1; minus strand). Cytogenetic location: 18q11.2.
Variant type: single nucleotide variant.
Coding change: c.2206T>C on transcript NM_000271.5 (MANE Select); coding-DNA position 2206, T replaced by C.
Protein change: p.Phe736Leu; replaces phenylalanine 736 with leucine.
Molecular consequence: missense variant.
Genome position (GRCh38, 1-based): chr18:23,543,494, A>G on the plus strand (T>C on the coding strand, the complement: NPC1 is on the minus strand). VCF-style: chr18-23543494-A-G. GRCh37 (hg19) VCF-style: chr18-21123458-A-G.
Other names: short protein forms F736L.
Identifiers: ClinVar variation 3774953 (VCV003774953.1).

ClinVar aggregate classification (germline): Uncertain significance (1 of 4 stars; one submission).

gnomAD v4.1: 2 of 1,612,852 alleles (0.00012%); highest among the groups gnomAD compares: Admixed American, 0.0033%; no homozygotes.

Submission:

GeneDx
Classification: Uncertain significance. Last evaluated: 2024-09-30. Review status: criteria provided, single submitter. Criteria: GeneDx Variant Classification Process June 2021. Collection method: clinical testing. Allele origin: germline. Affected: yes.
Comment: Not observed at significant frequency in large population cohorts (gnomAD); In silico analysis indicates that this missense variant does not alter protein structure/function; Has not been previously published as pathogenic or benign to our knowledge